The following is an entry in ClinVar:

ClinVar aggregate classification (germline): Uncertain significance (1 of 4 stars; one submission).

Conditions:
Cardiovascular phenotype. Identifiers: MedGen CN230736.

Submission:

Ambry Genetics
Classification: Uncertain significance for Cardiovascular phenotype. Last evaluated: 2025-08-09. Review status: criteria provided, single submitter. Criteria: Ambry Variant Classification Scheme 2023. Collection method: clinical testing. Allele origin: germline.
Comment: The p.F135L variant (also known as c.403T>C), located in coding exon 3 of the SCN10A gene, results from a T to C substitution at nucleotide position 403. The phenylalanine at codon 135 is replaced by leucine, an amino acid with highly similar properties. This amino acid position is conserved. In addition, the in silico prediction for this alteration is inconclusive. Based on the available evidence, the clinical significance of this variant remains unclear.

NM_006514.4(SCN10A):c.403T>C (p.Phe135Leu)

Gene: SCN10A (sodium voltage-gated channel alpha subunit 10; minus strand). Cytogenetic location: 3p22.2.
Variant type: single nucleotide variant.
Coding change: c.403T>C on transcript NM_006514.4 (MANE Select); coding-DNA position 403, T replaced by C.
Protein change: p.Phe135Leu; replaces phenylalanine 135 with leucine.
Molecular consequence: missense variant.
Genome position (GRCh38, 1-based): chr3:38,789,023, A>G on the plus strand (T>C on the coding strand, the complement: SCN10A is on the minus strand). VCF-style: chr3-38789023-A-G. GRCh37 (hg19) VCF-style: chr3-38830514-A-G.
Other names: c.403T>C, p.Phe135Leu (NM_001293306.2, NM_001293307.2); short protein forms F135L.
Identifiers: ClinVar variation 4160550 (VCV004160550.1).